The following is an entry in ClinVar:

ClinVar aggregate classification (germline): Uncertain significance (1 of 4 stars; one submission).

Submission:

Labcorp Genetics (formerly Invitae), Labcorp
Classification: Uncertain significance. Last evaluated: 2022-08-04. Review status: criteria provided, single submitter. Criteria: Invitae Variant Classification Sherloc (09022015). Collection method: clinical testing. Allele origin: germline.
Comment: This sequence change replaces methionine, which is neutral and non-polar, with valine, which is neutral and non-polar, at codon 267 of the TTC37 protein (p.Met267Val). This variant is not present in population databases (gnomAD no frequency). This variant has not been reported in the literature in individuals affected with TTC37-related conditions. Algorithms developed to predict the effect of missense changes on protein structure and function (SIFT, PolyPhen-2, Align-GVGD) all suggest that this variant is likely to be tolerated. In summary, the available evidence is currently insufficient to determine the role of this variant in disease. Therefore, it has been classified as a Variant of Uncertain Significance.

NM_014639.4(SKIC3):c.799A>G (p.Met267Val)

Gene: SKIC3 (SKI3 subunit of superkiller complex; minus strand). Cytogenetic location: 5q15.
Variant type: single nucleotide variant.
Coding change: c.799A>G on transcript NM_014639.4 (MANE Select); coding-DNA position 799, A replaced by G.
Protein change: p.Met267Val; replaces methionine 267 with valine.
Molecular consequence: missense variant.
Genome position (GRCh38, 1-based): chr5:95,530,182, T>C on the plus strand (A>G on the coding strand, the complement: SKIC3 is on the minus strand). VCF-style: chr5-95530182-T-C. GRCh37 (hg19) VCF-style: chr5-94865886-T-C.
Other names: short protein forms M267V.
Identifiers: ClinVar variation 2021442 (VCV002021442.4), dbSNP rs2530783607, ClinGen allele CA360466760.